The following is an entry in ClinVar:

ClinVar aggregate classification (germline): Uncertain significance. Review status: criteria provided, multiple submitters, no conflicts (2 of 4 stars). 5 submissions from 5 submitters: Uncertain significance (5). Last evaluated 2025-05-14.

Conditions:
Inborn genetic diseases. Identifiers: MedGen C0950123, MeSH D030342.
Autosomal recessive limb-girdle muscular dystrophy type 2Q (LGMDR17). Also called: MUSCULAR DYSTROPHY, LIMB-GIRDLE, AUTOSOMAL RECESSIVE 17. Identifiers: Orphanet 254361, MedGen C3150989, MONDO:0013390, OMIM 613723.
Epidermolysis bullosa simplex with nail dystrophy (EBS5D). Identifiers: MedGen C4225309, MONDO:0014661, OMIM 616487.
Epidermolysis bullosa simplex 5C, with pyloric atresia (EBS5C). Also called: PLEC-Related Epidermolysis Bullosa with Pyloric Atresia; PLEC1-Related Epidermolysis Bullosa with Pyloric Atresia; Epidermolysis bullosa simplex with pyloric atresia. Identifiers: Orphanet 158684, MedGen C2677349, MONDO:0012807, OMIM 612138.
Epidermolysis bullosa simplex, Ogna type (EBS5A). Also called: Pidermolysis bullosa simplex 5A, Ogna type; EPIDERMOLYSIS BULLOSA SIMPLEX 5A, OGNA TYPE. Identifiers: Orphanet 79401, MedGen C0432317, MONDO:0007555, OMIM 131950.
Epidermolysis bullosa simplex 5B, with muscular dystrophy (EBS5B). Also called: EPIDERMOLYSIS BULLOSA SIMPLEX AND LIMB-GIRDLE MUSCULAR DYSTROPHY; Epidermolysis bullosa simplex with muscular dystrophy. Identifiers: Orphanet 257, MedGen C2931072, MONDO:0009181, OMIM 226670.

Allele frequency attached by ClinVar (database versions not stated): gnomAD exomes 0.00004 and 0.00007; ExAC 0.00009; gnomAD 0.00009 and 0.00011; TOPMed 0.00015; 1000 Genomes Project 0.00060.
gnomAD v4.1: 75 of 1,596,464 alleles (0.0047%); highest among the groups gnomAD compares: African/African-American, 0.044%; no homozygotes.

Submissions (5):

Labcorp Genetics (formerly Invitae), Labcorp
Classification: Uncertain significance for Autosomal recessive limb-girdle muscular dystrophy type 2Q; Epidermolysis bullosa simplex, Ogna type; Epidermolysis bullosa simplex with nail dystrophy; Epidermolysis bullosa simplex 5C, with pyloric atresia; Epidermolysis bullosa simplex 5B, with muscular dystrophy. Last evaluated: 2025-05-14. Review status: criteria provided, single submitter. Criteria: Invitae Variant Classification Sherloc (09022015). Collection method: clinical testing. Allele origin: germline.
Comment: This sequence change replaces arginine, which is basic and polar, with cysteine, which is neutral and slightly polar, at codon 1987 of the PLEC protein (p.Arg1987Cys). This variant is present in population databases (rs540421549, gnomAD 0.04%). This variant has not been reported in the literature in individuals affected with PLEC-related conditions. ClinVar contains an entry for this variant (Variation ID: 196733). Experimental studies and prediction algorithms are not available or were not evaluated, and the functional significance of this variant is currently unknown. In summary, the available evidence is currently insufficient to determine the role of this variant in disease. Therefore, it has been classified as a Variant of Uncertain Significance.

Revvity Omics, Revvity
Classification: Uncertain significance. Last evaluated: 2024-08-18. Review status: criteria provided, single submitter. Criteria: ACMG Guidelines, 2015. Collection method: clinical testing. Allele origin: germline.

Blueprint Genetics
Classification: Uncertain significance. Last evaluated: 2023-09-06. Review status: criteria provided, single submitter. Criteria: ACMG Guidelines, 2015. Collection method: clinical testing. Allele origin: germline.

Ambry Genetics
Classification: Uncertain significance for Inborn genetic diseases. Last evaluated: 2022-07-12. Review status: criteria provided, single submitter. Criteria: Ambry Variant Classification Scheme 2023. Collection method: clinical testing. Allele origin: germline.

Eurofins Ntd Llc (ga)
Classification: Uncertain significance. Last evaluated: 2014-07-04. Review status: criteria provided, single submitter. Criteria: EGL Classification Definitions 2015. Collection method: clinical testing. Allele origin: germline. Observed: 2 variant alleles, 2 heterozygotes.

NM_201384.3(PLEC):c.5878C>T (p.Arg1960Cys)

Gene: PLEC (plectin; minus strand). Cytogenetic location: 8q24.3.
Variant type: single nucleotide variant.
Coding change: c.5878C>T on transcript NM_201384.3 (MANE Select); coding-DNA position 5878, C replaced by T.
Protein change: p.Arg1960Cys; replaces arginine 1960 with cysteine.
Molecular consequence: missense variant.
Genome position (GRCh38, 1-based): chr8:143,924,051, G>A on the plus strand (C>T on the coding strand, the complement: PLEC is on the minus strand). VCF-style: chr8-143924051-G-A. GRCh37 (hg19) VCF-style: chr8-144998219-G-A.
Other names: c.5959C>T (NM_000445.3); c.5959C>T, p.Arg1987Cys (NM_000445.5); c.5836C>T, p.Arg1946Cys (NM_201378.4); c.5812C>T, p.Arg1938Cys (NM_201379.3); c.6289C>T, p.Arg2097Cys (NM_201380.4); c.5782C>T, p.Arg1928Cys (NM_201381.3); c.5878C>T, p.Arg1960Cys (NM_201382.4); c.5890C>T, p.Arg1964Cys (NM_201383.3); short protein forms R1928C, R1938C, R1946C, R1960C, R1964C, R1987C, R2097C.
Identifiers: ClinVar variation 196733 (VCV000196733.16), dbSNP rs540421549, ClinGen allele CA243867.